The following is an entry in ClinVar:

ClinVar aggregate classification (germline): not provided (0 of 4 stars; one submission).

Conditions:
Beckwith-Wiedemann syndrome (BWS). Also called: Exomphalos macroglossia gigantism syndrome; EMG SYNDROME. Identifiers: Orphanet 116, MedGen C0004903, MONDO:0007534, OMIM 130650.

Submission:

UMR_S938_Pr. Le Bouc INSERM
No classification provided. Condition: Beckwith-Wiedemann syndrome. Review status: no classification provided. Collection method: not provided. Allele origin: germline.

NC_000011.10:g.2000108C>A

Genes: H19 (H19 imprinted maternally expressed transcript; minus strand), H19-ICR (H19/IGF2 imprinting control region; plus strand), MRPL23 (mitochondrial ribosomal protein L23; plus strand). Cytogenetic location: 11p15.5.
Variant type: single nucleotide variant.
Molecular consequence: intron variant (on NM_001400176.1).
Genome position: GRCh38 VCF-style: chr11-2000108-C-A. GRCh37 (hg19) VCF-style: chr11-2021338-C-A.
Other names: c.498-11433C>A (NM_001400176.1).
Identifiers: ClinVar variation 96746 (VCV000096746.2), dbSNP rs431825167, ClinGen allele CA345688.